The following is an entry in ClinVar:

ClinVar aggregate classification (germline): Conflicting classifications of pathogenicity. Review status: criteria provided, conflicting classifications (1 of 4 stars). 3 submissions from 3 submitters: Uncertain significance (1); Likely benign (1). 1 of the submissions does not count toward it. Last evaluated 2025-12-29.

Conditions:
UNC80-related disorder. Also called: UNC80-related condition.
Hypotonia, infantile, with psychomotor retardation and characteristic facies 2 (IHPRF2). Also called: UNC80 Deficiency. Identifiers: Orphanet 371364, Orphanet 700333, MedGen C4225203, MONDO:0014777, OMIM 616801.

Allele frequency attached by ClinVar (database versions not stated): gnomAD exomes 0.00001; gnomAD 0.00003; TOPMed 0.00003; 1000 Genomes Project 30x 0.00016; 1000 Genomes Project 0.00020.
gnomAD v4.1: 19 of 1,551,666 alleles (0.0012%); highest among the groups gnomAD compares: African/African-American, 0.023%; no homozygotes.

Submissions (3):

Labcorp Genetics (formerly Invitae), Labcorp
Classification: Likely benign. Last evaluated: 2025-12-29. Review status: criteria provided, single submitter. Criteria: Invitae Variant Classification Sherloc (09022015). Collection method: clinical testing. Allele origin: germline.

Revvity Omics, Revvity
Classification: Uncertain significance for Hypotonia, infantile, with psychomotor retardation and characteristic facies 2. Last evaluated: 2022-12-15. Review status: criteria provided, single submitter. Criteria: ACMG Guidelines, 2015. Collection method: clinical testing. Allele origin: germline.

PreventionGenetics, part of Exact Sciences
Classification: Likely benign for UNC80-related condition. Last evaluated: 2023-06-06. Review status: no assertion criteria provided. Collection method: clinical testing. Allele origin: germline. Not counted in ClinVar's aggregate classification.
Comment: This variant is classified as likely benign based on ACMG/AMP sequence variant interpretation guidelines (Richards et al. 2015 PMID: 25741868, with internal and published modifications).

NM_001371986.1(UNC80):c.9345A>G (p.Gln3115=)

Gene: UNC80 (unc-80 subunit of NALCN channel complex; plus strand). Cytogenetic location: 2q34.
Variant type: single nucleotide variant.
Coding change: c.9345A>G on transcript NM_001371986.1 (MANE Select); coding-DNA position 9345, A replaced by G.
Protein change: p.Gln3115=; no amino-acid change (glutamine 3115 retained).
Molecular consequence: synonymous variant.
Genome position (GRCh38, 1-based): chr2:209,992,196, A>G. VCF-style: chr2-209992196-A-G. GRCh37 (hg19) VCF-style: chr2-210856920-A-G.
Other names: c.9147A>G, p.Gln3049= (NM_032504.2); c.9075A>G, p.Gln3025= (NM_182587.4).
Identifiers: ClinVar variation 2192960 (VCV002192960.9), dbSNP rs368634423, ClinGen allele CA64664525.
Genomic context (GRCh38, chr2:209,992,196, plus strand): 5'-GGGTACACTAACACTGTTGATGCTTGGCAGGGTGGCAAGTATACAGAGTGAACCTGGTCA[A>G]CAGAACCTCCTTGTTCAGCAGCCGCTGGGGAGGAAGAGGGGCCTGAGGCAGGTAAGTAGA-3'
Protein context (NP_001358915.1, residues 3105-3125): RVASIQSEPG[Gln3115=]QNLLVQQPLG